The following is an entry in ClinVar:

NM_022124.6(CDH23):c.4395G>A (p.Gly1465=)

Gene: CDH23 (cadherin related 23; plus strand). Cytogenetic location: 10q22.1.
Variant type: single nucleotide variant.
Coding change: c.4395G>A on transcript NM_022124.6 (MANE Select); coding-DNA position 4395, G replaced by A.
Protein change: p.Gly1465=; no amino-acid change (glycine 1465 retained).
Molecular consequence: synonymous variant.
Genome position (GRCh38, 1-based): chr10:71,739,679, G>A. VCF-style: chr10-71739679-G-A. GRCh37 (hg19) VCF-style: chr10-73499436-G-A.
Other names: c.4395G>A (NM_022124.5).
Identifiers: ClinVar variation 2907877 (VCV002907877.4), dbSNP rs953731895, ClinGen allele CA209485414.
Genomic context (GRCh38, chr10:71,739,679, plus strand): 5'-CCCTCACCCTCTCTTCTCCCCACAGGTGGTCTTCTCCCTGGCCTCTGGCAACATCGCGGG[G>A]GCCTTTGAGATCGTCACCACCAATGACTCCATTGGCGAAGTGTTTGTGGCCAGGCCCCTG-3'
Protein context (NP_071407.4, residues 1455-1475): VFSLASGNIA[Gly1465=]AFEIVTTNDS

ClinVar aggregate classification (germline): Likely benign. Review status: criteria provided, multiple submitters, no conflicts (2 of 4 stars). 2 submissions from 2 submitters: Likely benign (2). Last evaluated 2026-09-15.

Conditions:
CDH23-related disorder. Also called: CDH23-related condition; CDH23-related disorders.

Allele frequency attached by ClinVar (database versions not stated): gnomAD 0.00001; TOPMed 0.00001.
gnomAD v4.1: 6 of 1,613,256 alleles (0.00037%); highest among the groups gnomAD compares: Admixed American, 0.0083%; no homozygotes.

Submissions (2):

PreventionGenetics, part of Exact Sciences
Classification: Likely benign for CDH23-related condition. Last evaluated: 2026-09-15. Review status: criteria provided, single submitter. Criteria: ACMG Guidelines, 2015. Collection method: clinical testing. Allele origin: germline.
Comment: This variant is classified as likely benign based on ACMG/AMP sequence variant interpretation guidelines (Richards et al. 2015 PMID: 25741868, with internal and published modifications).

Labcorp Genetics (formerly Invitae), Labcorp
Classification: Likely benign. Last evaluated: 2024-03-28. Review status: criteria provided, single submitter. Criteria: Invitae Variant Classification Sherloc (09022015). Collection method: clinical testing. Allele origin: germline.